The following is an entry in ClinVar:

ClinVar aggregate classification (germline): Uncertain significance (1 of 4 stars; one submission).

gnomAD v4.1: 3 of 1,613,112 alleles (0.00019%); highest among the groups gnomAD compares: Non-Finnish European, 0.00025%; no homozygotes.

Submission:

Labcorp Genetics (formerly Invitae), Labcorp
Classification: Uncertain significance. Last evaluated: 2025-10-08. Review status: criteria provided, single submitter. Criteria: Invitae Variant Classification Sherloc (09022015). Collection method: clinical testing. Allele origin: germline.
Comment: This sequence change replaces histidine, which is basic and polar, with glutamine, which is neutral and polar, at codon 2197 of the CACNA1E protein (p.His2197Gln). This variant is not present in population databases (gnomAD no frequency). This variant has not been reported in the literature in individuals affected with CACNA1E-related conditions. ClinVar contains an entry for this variant (Variation ID: 3633702). Invitae Evidence Modeling of protein sequence and biophysical properties (such as structural, functional, and spatial information, amino acid conservation, physicochemical variation, residue mobility, and thermodynamic stability) indicates that this missense variant is not expected to disrupt CACNA1E protein function with a negative predictive value of 95%. In summary, the available evidence is currently insufficient to determine the role of this variant in disease. Therefore, it has been classified as a Variant of Uncertain Significance.

NM_001205293.3(CACNA1E):c.6720C>A (p.His2240Gln)

Gene: CACNA1E (calcium voltage-gated channel subunit alpha1 E; plus strand). Cytogenetic location: 1q25.3.
Variant type: single nucleotide variant.
Coding change: c.6720C>A on transcript NM_001205293.3 (MANE Select); coding-DNA position 6720, C replaced by A.
Protein change: p.His2240Gln; replaces histidine 2240 with glutamine.
Molecular consequence: missense variant.
Genome position (GRCh38, 1-based): chr1:181,798,612, C>A. VCF-style: chr1-181798612-C-A. GRCh37 (hg19) VCF-style: chr1-181767748-C-A.
Other names: c.6591C>A, p.His2197Gln (NM_000721.4); c.6534C>A, p.His2178Gln (NM_001205294.2); short protein forms H2240Q, H2178Q, H2197Q.
Identifiers: ClinVar variation 3633702 (VCV003633702.2).